The following is an entry in ClinVar:

NM_144639.3(UROC1):c.1113C>T (p.Asn371=)

Gene: UROC1 (urocanate hydratase 1; minus strand). Cytogenetic location: 3q21.3.
Variant type: single nucleotide variant.
Coding change: c.1113C>T on transcript NM_144639.3 (MANE Select); coding-DNA position 1113, C replaced by T.
Protein change: p.Asn371=; no amino-acid change (asparagine 371 retained).
Molecular consequence: synonymous variant.
Genome position (GRCh38, 1-based): chr3:126,500,727, G>A on the plus strand (C>T on the coding strand, the complement: UROC1 is on the minus strand). VCF-style: chr3-126500727-G-A. GRCh37 (hg19) VCF-style: chr3-126219570-G-A.
Other names: c.1293C>T, p.Asn431= (NM_001165974.2).
Identifiers: ClinVar variation 3256991 (VCV003256991.17).

ClinVar aggregate classification (germline): Likely benign (1 of 4 stars; one submission).

gnomAD v4.1: 54 of 1,613,976 alleles (0.0033%); highest among the groups gnomAD compares: Non-Finnish European, 0.0045%; no homozygotes.

Submission:

CeGaT Center for Human Genetics Tuebingen
Classification: Likely benign. Last evaluated: 2024-10-01. Review status: criteria provided, single submitter. Criteria: CeGaT Center For Human Genetics Tuebingen Variant Classification Criteria Version 2. Collection method: clinical testing. Allele origin: germline. Affected: yes. Observed: 1 variant allele.
Comment: UROC1: BP4, BP7